The following is an entry in ClinVar:

ClinVar aggregate classification (germline): Pathogenic (1 of 4 stars; one submission).

Conditions:
Dyskeratosis congenita, autosomal recessive 5 (DKCB5). Identifiers: MedGen C3554656, MONDO:0014076, OMIM 615190.
Pulmonary fibrosis and/or bone marrow failure, Telomere-related, 3. Also called: PULMONARY FIBROSIS AND/OR BONE MARROW FAILURE SYNDROME, TELOMERE-RELATED, 3. Identifiers: Orphanet 2032, MedGen C4225346, MONDO:0014613, OMIM 616373.

Submission:

Labcorp Genetics (formerly Invitae), Labcorp
Classification: Pathogenic for Dyskeratosis congenita, autosomal recessive 5; Pulmonary fibrosis and/or bone marrow failure, Telomere-related, 3. Last evaluated: 2023-06-09. Review status: criteria provided, single submitter. Criteria: Invitae Variant Classification Sherloc (09022015). Collection method: clinical testing. Allele origin: germline.
Comment: For these reasons, this variant has been classified as Pathogenic. This variant has not been reported in the literature in individuals affected with RTEL1-related conditions. This variant is not present in population databases (gnomAD no frequency). This sequence change creates a premature translational stop signal (p.Ser594Argfs*73) in the RTEL1 gene. It is expected to result in an absent or disrupted protein product. Loss-of-function variants in RTEL1 are known to be pathogenic (PMID: 23453664, 23959892, 25607374).

Literature cited by the submitters: PubMed 23453664; PubMed 23959892; PubMed 25607374.

NM_001283009.2(RTEL1):c.1778_1781dup (p.Ser594fs)

Genes: RTEL1 (regulator of telomere elongation helicase 1; plus strand), RTEL1-TNFRSF6B (RTEL1-TNFRSF6B readthrough (NMD candidate); plus strand). Cytogenetic location: 20q13.33.
Variant type: Duplication.
Coding change: c.1778_1781dup on transcript NM_001283009.2 (MANE Select); coding-DNA positions 1778 to 1781, 4 bases duplicated (GGAG; older notation c.1778_1781dupGGAG).
Protein change: p.Ser594fs; shifts the reading frame from serine 594.
Molecular consequence: frameshift variant. On other transcripts: non-coding transcript variant (1).
Genome position (GRCh38, 1-based): chr20:63,688,583-63,688,586, GGAG duplicated. VCF-style (leftmost placement, unchanged base first): chr20-63688582-A-AGGAG. GRCh37 (hg19) VCF-style: chr20-62319935-A-AGGAG.
Other names: c.1109_1112dup, p.Ser371fs (NM_001283010.1); c.1778_1781dup, p.Ser594fs (NM_016434.4); c.1850_1853dup, p.Ser618fs (NM_032957.5); short protein forms S371fs, S618fs, S594fs.
Identifiers: ClinVar variation 2948710 (VCV002948710.3), dbSNP rs2517122415, ClinGen allele CA2740094662.